The following is an entry in ClinVar:

ClinVar aggregate classification (germline): Likely benign (0 of 4 stars; one submission).

Conditions:
KRT75-related disorder. Also called: KRT75-related condition.

Allele frequency attached by ClinVar (database versions not stated): ESP Exome Variant Server 0.00023; TOPMed 0.00024; gnomAD 0.00025; ExAC 0.00040; gnomAD exomes 0.00047.
gnomAD v4.1: 731 of 1,614,192 alleles (0.045%); highest among the groups gnomAD compares: South Asian, 0.17%; 2 homozygotes.

Submission:

PreventionGenetics, part of Exact Sciences
Classification: Likely benign for KRT75-related condition. Last evaluated: 2019-07-01. Review status: no assertion criteria provided. Collection method: clinical testing. Allele origin: germline.
Comment: This variant is classified as likely benign based on ACMG/AMP sequence variant interpretation guidelines (Richards et al. 2015 PMID: 25741868, with internal and published modifications).

NM_004693.3(KRT75):c.483C>T (p.Ala161=)

Gene: KRT75 (keratin 75; minus strand). Cytogenetic location: 12q13.13.
Variant type: single nucleotide variant.
Coding change: c.483C>T on transcript NM_004693.3 (MANE Select); coding-DNA position 483, C replaced by T.
Protein change: p.Ala161=; no amino-acid change (alanine 161 retained).
Molecular consequence: synonymous variant.
Genome position (GRCh38, 1-based): chr12:52,433,822, G>A on the plus strand (C>T on the coding strand, the complement: KRT75 is on the minus strand). VCF-style: chr12-52433822-G-A. GRCh37 (hg19) VCF-style: chr12-52827606-G-A.
Identifiers: ClinVar variation 3042909 (VCV003042909.2), dbSNP rs140482609, ClinGen allele CA6580137.
Genomic context (GRCh38, chr12:52,433,822, plus strand): 5'-TTATTTGATCCCAAACCCAAGGGGGTGGATGAAGCCCCTGCTTACCTTGTCGATGAAGGA[G>A]GCGAACTTATTGTTGAGGGTCTTGATCTGCTCGCGCTCCTCGGCCCGCACCCGCTGGATG-3'
Protein context (NP_004684.2, residues 151-171): EQIKTLNNKF[Ala161=]SFIDKVRFLE